The following is an entry in ClinVar:

ClinVar aggregate classification (germline): Pathogenic. Review status: criteria provided, multiple submitters, no conflicts (2 of 4 stars). 3 submissions from 3 submitters: Pathogenic (3). Last evaluated 2025-10-28.

Conditions:
Fanconi anemia (FA). Also called: Fanconi's anemia. Identifiers: Orphanet 84, MedGen C0015625, MeSH D005199, MONDO:0019391.
Fanconi anemia complementation group F. Also called: FANCF-Related Fanconi Anemia. Identifiers: Orphanet 84, MedGen C3469526, MONDO:0011325, OMIM 603467.

Submissions (3):

3billion
Classification: Pathogenic for Fanconi anemia complementation group F. Last evaluated: 2025-10-28. Review status: criteria provided, single submitter. Criteria: ACMG Guidelines, 2015. Collection method: clinical testing. Allele origin: germline. Affected: yes.
Comment: The variant is not observed in the gnomAD v4.1.0 dataset. Predicted Consequence/Location: Frameshift: predicted to result in a loss or disruption of normal protein function through protein truncation. The predicted truncated protein may be shortened by more than 10%. The variant has been reported to be in trans with a pathogenic variant as either compound heterozygous or homozygous in at least one similarly affected unrelated individual (Clinvar Accession: SCV005077816.1). The variant has been reported at least twice as pathogenic without evidence for the classification (ClinVar ID: VCV002084424). Therefore, this variant is classified as Pathogenic according to the recommendation of ACMG/AMP guideline.

Human Genetics Section, Sidra Medicine
Classification: Pathogenic for Fanconi anemia complementation group F. Last evaluated: 2024-07-11. Review status: criteria provided, single submitter. Criteria: ACMG Guidelines, 2015. Collection method: research. Allele origin: germline. Inheritance: Autosomal recessive inheritance. Affected: yes. Observed: 4 variant alleles, 4 homozygotes.
Comment: Our group has identified the p.Ala180ProfsTer23 variant in FANCF in 4 Arab individuals with autosomal recessive inheritance, and was absent from large population studies. The classification was curated from Varsome: Clarification (August 6, 2024): Franklin and VarSome were utilized as supplementary tools. Patient 1 exhibited hypochromic spots, abnormal skull appearance, ptosis of the right eye, bilateral hypoplasia of the thumb, undescended left testicle, and imperforate anus with no response to steroids. Consequently, Whole Genome Sequencing (WGS) was performed, identifying the variant responsible for the observed phenotypes. We are currently preparing the publication detailing these findings, and the PubMed ID (PMID) will be provided upon its release.

Labcorp Genetics (formerly Invitae), Labcorp
Classification: Pathogenic for Fanconi anemia. Last evaluated: 2024-03-16. Review status: criteria provided, single submitter. Criteria: Invitae Variant Classification Sherloc (09022015). Collection method: clinical testing. Allele origin: germline.
Comment: This sequence change creates a premature translational stop signal (p.Ala180Profs*23) in the FANCF gene. While this is not anticipated to result in nonsense mediated decay, it is expected to disrupt the last 195 amino acid(s) of the FANCF protein. This variant is not present in population databases (gnomAD no frequency). This premature translational stop signal has been observed in individual(s) with autosomal recessive Fanconi anemia (Invitae). ClinVar contains an entry for this variant (Variation ID: 2084424). Algorithms developed to predict the effect of variants on protein structure and function are not available or were not evaluated for this variant. Experimental studies have shown that this premature translational stop signal affects FANCF function (PMID: 11063725, 12649160, 15262960, 17082180). For these reasons, this variant has been classified as Pathogenic.

Literature cited by the submitters: PubMed 11063725 (cited by Labcorp Genetics (formerly Invitae), Labcorp); PubMed 12649160 (cited by Labcorp Genetics (formerly Invitae), Labcorp); PubMed 15262960 (cited by Labcorp Genetics (formerly Invitae), Labcorp); PubMed 17082180 (cited by Labcorp Genetics (formerly Invitae), Labcorp).

NM_022725.4(FANCF):c.538del (p.Ala180fs)

Gene: FANCF (FA complementation group F; minus strand). Cytogenetic location: 11p14.3.
Variant type: Deletion.
Coding change: c.538del on transcript NM_022725.4 (MANE Select); coding-DNA position 538, one base deleted (G; older notation c.538delG).
Protein change: p.Ala180fs; shifts the reading frame from alanine 180.
Molecular consequence: frameshift variant.
Genome position (GRCh38, 1-based): chr11:22,625,273, C deleted on the plus strand (G on the coding strand, the reverse complement: FANCF is on the minus strand); the first of 2 consecutive C bases (chr11:22,625,273-22,625,274); deleting either gives the same sequence. VCF-style (leftmost placement, unchanged base first): chr11-22625272-GC-G. GRCh37 (hg19) VCF-style: chr11-22646818-GC-G.
Other names: c.538delG (NM_022725.4); short protein forms A180fs.
Identifiers: ClinVar variation 2084424 (VCV002084424.6), dbSNP rs2494866075, ClinGen allele CA2580082869.